The following is an entry in ClinVar:

ClinVar aggregate classification (germline): Uncertain significance (1 of 4 stars; one submission).

Conditions:
Congenital myopathy with fiber type disproportion. Also called: Congenital fiber-type disproportion; Congenital fiber-type disproportion myopathy. Identifiers: Orphanet 2020, MedGen C0546264, MONDO:0009711. Inheritance: all.

Allele frequency attached by ClinVar (database versions not stated): gnomAD exomes below 0.00001; gnomAD 0.00001.
gnomAD v4.1: 7 of 1,614,044 alleles (0.00043%); highest among the groups gnomAD compares: Non-Finnish European, 0.00059%; no homozygotes.

Submission:

Centre for Mendelian Genomics, University Medical Centre Ljubljana
Classification: Uncertain significance for Congenital myopathy 4A, autosomal dominant. Last evaluated: 2019-02-22. Review status: criteria provided, single submitter. Criteria: ACMG Guidelines, 2015. Collection method: clinical testing. Allele origin: unknown. Affected: yes.
Comment: This variant was classified as: Uncertain significance. The available evidence on this variant's pathogenicity is insufficient or conflicting. The following ACMG criteria were applied in classifying this variant: PP2.

NM_213674.1(TPM2):c.776C>G (p.Thr259Ser)

Gene: TPM2 (tropomyosin 2; minus strand). Cytogenetic location: 9p13.3.
Variant type: single nucleotide variant.
Coding change: c.776C>G on transcript NM_213674.1; coding-DNA position 776, C replaced by G.
Protein change: p.Thr259Ser; replaces threonine 259 with serine.
Molecular consequence: missense variant.
Genome position (GRCh38, 1-based): chr9:35,682,160, G>C on the plus strand (C>G on the coding strand, the complement: TPM2 is on the minus strand). VCF-style: chr9-35682160-G-C. GRCh37 (hg19) VCF-style: chr9-35682157-G-C.
Other names: c.776C>G, p.Thr259Ser (NM_001301226.2); short protein forms T259S.
Identifiers: ClinVar variation 930422 (VCV000930422.5), dbSNP rs1197412497, ClinGen allele CA373360135.